The following is an entry in ClinVar:

ClinVar aggregate classification (germline): Pathogenic (0 of 4 stars; one submission).

Conditions:
Angelman syndrome (AS). Also called: HAPPY PUPPET SYNDROME. Identifiers: Orphanet 72, MedGen C0162635, MONDO:0007113, OMIM 105830. Disease mechanism: loss of function. Inheritance: AS is caused by disruption of maternally imprinted UBE3A located within the 15q11.2-q13 Angelman syndrome/Prader-Willi syndrome (AS/PWS) region., imprinting disorder.

Submission:

Baylor Genetics
Classification: Pathogenic for Angelman Syndrome. Last evaluated: 2014-02-14. Review status: no assertion criteria provided. Collection method: clinical testing. Allele origin: germline. Affected: yes. Observed: 1 variant allele. Study: UBE3A Mutation Study.
Comment: Data collected from clinical UBE3A sequence analysis results

Literature cited by the submitters: PubMed 25212744.

NM_130839.5(UBE3A):c.1565_1566del (p.Leu522fs)

Genes: SNHG14 (small nucleolar RNA host gene 14; plus strand), UBE3A (ubiquitin protein ligase E3A; minus strand). Cytogenetic location: 15q11.2.
Variant type: Deletion.
Coding change: c.1565_1566del on transcript NM_130839.5 (MANE Select); coding-DNA positions 1565 to 1566, 2 bases deleted (TC; older notation c.1565_1566delTC).
Protein change: p.Leu522fs; shifts the reading frame from leucine 522.
Molecular consequence: frameshift variant. On other transcripts: non-coding transcript variant (1), intron variant (2).
Genome position (GRCh38, 1-based): chr15:25,370,608-25,370,609, GA deleted on the plus strand (TC on the coding strand, the reverse complement: UBE3A is on the minus strand); deleting any 2 consecutive bases within chr15:25,370,608-25,370,610 gives the same sequence; the c. name uses the placement nearest the transcript's 3' end. VCF-style (leftmost placement, unchanged base first): chr15-25370607-TGA-T. GRCh37 (hg19) VCF-style: chr15-25615754-TGA-T.
Other names: c.1574_1575del, p.Leu525fs (NM_000462.5); c.1565_1566del, p.Leu522fs (NM_001354505.1, NM_001354538.2, NM_001354545.2); c.1505_1506del, p.Leu502fs (NM_001354506.2, NM_001354507.2, NM_001354508.2 and 17 more transcripts); c.1388_1389del, p.Leu463fs (NM_001354546.2); c.301+4856_301+4857del (NM_001354551.2); c.361+4856_361+4857del (NM_001354550.2); short protein forms L463fs, L502fs, L522fs, L525fs.
Identifiers: ClinVar variation 155954 (VCV000155954.1), dbSNP rs587781203, ClinGen allele CA333321.